The following is an entry in ClinVar:

NM_001105206.3(LAMA4):c.1582G>A (p.Glu528Lys)

Gene: LAMA4 (laminin subunit alpha 4; minus strand). Cytogenetic location: 6q21.
Variant type: single nucleotide variant.
Coding change: c.1582G>A on transcript NM_001105206.3 (MANE Select); coding-DNA position 1582, G replaced by A.
Protein change: p.Glu528Lys; replaces glutamic acid 528 with lysine.
Molecular consequence: missense variant.
Genome position (GRCh38, 1-based): chr6:112,165,246, C>T on the plus strand (G>A on the coding strand, the complement: LAMA4 is on the minus strand). VCF-style: chr6-112165246-C-T. GRCh37 (hg19) VCF-style: chr6-112486448-C-T.
Other names: c.1561G>A, p.Glu521Lys (NM_001105207.3, NM_002290.5); short protein forms E521K, E528K.
Identifiers: ClinVar variation 664563 (VCV000664563.16), dbSNP rs782385471, ClinGen allele CA3965730.

ClinVar aggregate classification (germline): Conflicting classifications of pathogenicity. Review status: criteria provided, conflicting classifications (1 of 4 stars). 5 submissions from 5 submitters: Uncertain significance (4); Likely benign (1). Last evaluated 2025-09-02.

Conditions:
Cardiovascular phenotype. Identifiers: MedGen CN230736.
Dilated cardiomyopathy 1JJ (CMD1JJ). Identifiers: Orphanet 154, MedGen C3808935, MONDO:0014095, OMIM 615235.

Allele frequency attached by ClinVar (database versions not stated): ExAC 0.00001; gnomAD 0.00001; TOPMed 0.00001; gnomAD exomes 0.00002.
gnomAD v4.1: 28 of 1,612,918 alleles (0.0017%); highest among the groups gnomAD compares: Non-Finnish European, 0.0021%; no homozygotes.

Submissions (5):

Women's Health and Genetics/Laboratory Corporation of America, LabCorp
Classification: Uncertain significance. Last evaluated: 2025-09-02. Review status: criteria provided, single submitter. Criteria: LabCorp Variant Classification Summary - May 2015. Collection method: clinical testing. Allele origin: germline.

Ambry Genetics
Classification: Likely benign for Cardiovascular phenotype. Last evaluated: 2025-07-22. Review status: criteria provided, single submitter. Criteria: Ambry Variant Classification Scheme 2023. Collection method: clinical testing. Allele origin: germline.

Labcorp Genetics (formerly Invitae), Labcorp
Classification: Uncertain significance for Dilated cardiomyopathy 1JJ. Last evaluated: 2025-07-21. Review status: criteria provided, single submitter. Criteria: Invitae Variant Classification Sherloc (09022015). Collection method: clinical testing. Allele origin: germline.
Comment: This sequence change replaces glutamic acid, which is acidic and polar, with lysine, which is basic and polar, at codon 521 of the LAMA4 protein (p.Glu521Lys). This variant is present in population databases (rs782385471, gnomAD 0.003%). This variant has not been reported in the literature in individuals affected with LAMA4-related conditions. ClinVar contains an entry for this variant (Variation ID: 664563). Invitae Evidence Modeling of protein sequence and biophysical properties (such as structural, functional, and spatial information, amino acid conservation, physicochemical variation, residue mobility, and thermodynamic stability) indicates that this missense variant is not expected to disrupt LAMA4 protein function with a negative predictive value of 80%. In summary, the available evidence is currently insufficient to determine the role of this variant in disease. Therefore, it has been classified as a Variant of Uncertain Significance.

GeneDx
Classification: Uncertain significance. Last evaluated: 2023-05-25. Review status: criteria provided, single submitter. Criteria: GeneDx Variant Classification Process June 2021. Collection method: clinical testing. Allele origin: germline. Affected: yes.
Comment: Not observed at significant frequency in large population cohorts (gnomAD); In silico analysis supports that this missense variant does not alter protein structure/function; Has not been previously published as pathogenic or benign to our knowledge

Fulgent Genetics
Classification: Uncertain significance for Dilated cardiomyopathy 1JJ. Last evaluated: 2021-10-08. Review status: criteria provided, single submitter. Criteria: ACMG Guidelines, 2015. Collection method: clinical testing. Allele origin: unknown.